The following is an entry in ClinVar:

ClinVar aggregate classification (germline): Uncertain significance (1 of 4 stars; one submission).

gnomAD v4.1: 64 of 1,614,086 alleles (0.004%); highest among the groups gnomAD compares: Non-Finnish European, 0.0053%; no homozygotes.

Submission:

GeneDx
Classification: Uncertain significance. Last evaluated: 2024-07-16. Review status: criteria provided, single submitter. Criteria: GeneDx Variant Classification Process June 2021. Collection method: clinical testing. Allele origin: germline. Affected: yes.
Comment: In silico analysis indicates that this missense variant does not alter protein structure/function; Has not been previously published as pathogenic or benign to our knowledge

NM_000336.3(SCNN1B):c.423C>A (p.Asn141Lys)

Gene: SCNN1B (sodium channel epithelial 1 subunit beta; plus strand). Cytogenetic location: 16p12.2.
Variant type: single nucleotide variant.
Coding change: c.423C>A on transcript NM_000336.3 (MANE Select); coding-DNA position 423, C replaced by A.
Protein change: p.Asn141Lys; replaces asparagine 141 with lysine.
Molecular consequence: missense variant.
Genome position (GRCh38, 1-based): chr16:23,352,912, C>A. VCF-style: chr16-23352912-C-A. GRCh37 (hg19) VCF-style: chr16-23364233-C-A.
Other names: c.423C>A, p.Asn141Lys (NM_001410900.1); short protein forms N141K.
Identifiers: ClinVar variation 3573792 (VCV003573792.1).